The following is an entry in ClinVar:

ClinVar aggregate classification (germline): Uncertain significance (1 of 4 stars; one submission).

Conditions:
Autosomal recessive polycystic kidney disease (ARPKD). Also called: AR polycystic kidney disease. Identifiers: Orphanet 731, Orphanet 8378, MedGen C0085548, MeSH D017044, MONDO:0009889.

Allele frequency attached by ClinVar (database versions not stated): gnomAD exomes below 0.00001; gnomAD 0.00001.
gnomAD v4.1: 6 of 1,588,016 alleles (0.00038%); highest among the groups gnomAD compares: East Asian, 0.0094%; no homozygotes.

Submission:

Labcorp Genetics (formerly Invitae), Labcorp
Classification: Uncertain significance for Autosomal recessive polycystic kidney disease. Last evaluated: 2023-03-08. Review status: criteria provided, single submitter. Criteria: Invitae Variant Classification Sherloc (09022015). Collection method: clinical testing. Allele origin: germline.
Comment: This sequence change replaces aspartic acid, which is acidic and polar, with glycine, which is neutral and non-polar, at codon 298 of the PKHD1 protein (p.Asp298Gly). This variant is not present in population databases (gnomAD no frequency). This variant has not been reported in the literature in individuals affected with PKHD1-related conditions. Advanced modeling of protein sequence and biophysical properties (such as structural, functional, and spatial information, amino acid conservation, physicochemical variation, residue mobility, and thermodynamic stability) performed at Invitae indicates that this missense variant is not expected to disrupt PKHD1 protein function. In summary, the available evidence is currently insufficient to determine the role of this variant in disease. Therefore, it has been classified as a Variant of Uncertain Significance.

NM_138694.4(PKHD1):c.893A>G (p.Asp298Gly)

Gene: PKHD1 (PKHD1 ciliary IPT domain containing fibrocystin/polyductin; minus strand). Cytogenetic location: 6p12.2.
Variant type: single nucleotide variant.
Coding change: c.893A>G on transcript NM_138694.4 (MANE Select); coding-DNA position 893, A replaced by G.
Protein change: p.Asp298Gly; replaces aspartic acid 298 with glycine.
Molecular consequence: missense variant.
Genome position (GRCh38, 1-based): chr6:52,065,038, T>C on the plus strand (A>G on the coding strand, the complement: PKHD1 is on the minus strand). VCF-style: chr6-52065038-T-C. GRCh37 (hg19) VCF-style: chr6-51929836-T-C.
Other names: c.893A>G, p.Asp298Gly (NM_170724.3); short protein forms D298G.
Identifiers: ClinVar variation 2905184 (VCV002905184.3), dbSNP rs1256062840, ClinGen allele CA364429750.